The following is an entry in ClinVar:

ClinVar aggregate classification (germline): Uncertain significance. Review status: criteria provided, multiple submitters, no conflicts (2 of 4 stars). 2 submissions from 2 submitters: Uncertain significance (2). Last evaluated 2026-01-19.

Conditions:
Fanconi anemia (FA). Also called: Fanconi's anemia. Identifiers: Orphanet 84, MedGen C0015625, MeSH D005199, MONDO:0019391.

Allele frequency attached by ClinVar (database versions not stated): gnomAD exomes below 0.00001.
gnomAD v4.1: 1 of 1,209,197 alleles (0.000083%); highest among the groups gnomAD compares: Non-Finnish European, 0.00011%; no homozygotes.

Submissions (2):

Dasa
Classification: Uncertain significance. Last evaluated: 2026-01-19. Review status: criteria provided, single submitter. Criteria: DASA Assertion Criteria. Collection method: clinical testing. Allele origin: germline.
Comment: NM_001018113.3(FANCB):c.2021T>C (p.Val674Ala) is a missense variant that results in the substitution of valine with alanine. This variant is rare in population databases. Computational prediction algorithms are consistent with a benign effect. The currently available literature and clinical evidence are not sufficient to establish a definitive association between this variant and the reported condition. Therefore, this variant is classified as a variant of uncertain significance.

Labcorp Genetics (formerly Invitae), Labcorp
Classification: Uncertain significance for Fanconi anemia. Last evaluated: 2022-07-01. Review status: criteria provided, single submitter. Criteria: Invitae Variant Classification Sherloc (09022015). Collection method: clinical testing. Allele origin: germline.
Comment: In summary, the available evidence is currently insufficient to determine the role of this variant in disease. Therefore, it has been classified as a Variant of Uncertain Significance. Algorithms developed to predict the effect of missense changes on protein structure and function output the following: SIFT: "Tolerated"; PolyPhen-2: "Benign"; Align-GVGD: "Class C0". The alanine amino acid residue is found in multiple mammalian species, which suggests that this missense change does not adversely affect protein function. This variant has not been reported in the literature in individuals affected with FANCB-related conditions. This variant is not present in population databases (gnomAD no frequency). This sequence change replaces valine, which is neutral and non-polar, with alanine, which is neutral and non-polar, at codon 674 of the FANCB protein (p.Val674Ala).

NM_001018113.3(FANCB):c.2021T>C (p.Val674Ala)

Gene: FANCB (FA complementation group B; minus strand). Cytogenetic location: Xp22.2.
Variant type: single nucleotide variant.
Coding change: c.2021T>C on transcript NM_001018113.3 (MANE Select); coding-DNA position 2021, T replaced by C.
Protein change: p.Val674Ala; replaces valine 674 with alanine.
Molecular consequence: missense variant.
Genome position (GRCh38, 1-based): chrX:14,844,647, A>G on the plus strand (T>C on the coding strand, the complement: FANCB is on the minus strand). VCF-style: chrX-14844647-A-G. GRCh37 (hg19) VCF-style: chrX-14862769-A-G.
Other names: c.2021T>C, p.Val674Ala (NM_001324162.2, NM_001410764.1, NM_152633.4); short protein forms V674A.
Identifiers: ClinVar variation 2151050 (VCV002151050.6), dbSNP rs1325163035, ClinGen allele CA412438754.
Genomic context (GRCh38, chrX:14,844,647, plus strand): 5'-CAAAAGTACACTTCTGGAAATTCTTTGATTATTTCACATTTCATATGTTCTAAGAGCCAC[A>G]CCTTCATTGAATTCAGGGCATAGCCGGGTGATGTGATTTGAAAACAAGATTTATGGAATG-3'
Protein context (NP_001018123.1, residues 664-684): SPGYALNSMK[Val674Ala]WLLEHMKCEI